The following is an entry in ClinVar:

NM_001447.3(FAT2):c.3127G>A (p.Glu1043Lys)

Gene: FAT2 (FAT atypical cadherin 2; minus strand). Cytogenetic location: 5q33.1.
Variant type: single nucleotide variant.
Coding change: c.3127G>A on transcript NM_001447.3 (MANE Select); coding-DNA position 3127, G replaced by A.
Protein change: p.Glu1043Lys; replaces glutamic acid 1043 with lysine.
Molecular consequence: missense variant.
Genome position (GRCh38, 1-based): chr5:151,565,805, C>T on the plus strand (G>A on the coding strand, the complement: FAT2 is on the minus strand). VCF-style: chr5-151565805-C-T. GRCh37 (hg19) VCF-style: chr5-150945366-C-T.
Other names: short protein forms E1043K.
Identifiers: ClinVar variation 2001995 (VCV002001995.4), dbSNP rs776961547, ClinGen allele CA3521916.

ClinVar aggregate classification (germline): Uncertain significance (1 of 4 stars; one submission).

Allele frequency attached by ClinVar (database versions not stated): gnomAD exomes below 0.00001; ExAC 0.00001.
gnomAD v4.1: 2 of 1,614,162 alleles (0.00012%); highest among the groups gnomAD compares: Admixed American, 0.0017%; no homozygotes.

Submission:

Labcorp Genetics (formerly Invitae), Labcorp
Classification: Uncertain significance. Last evaluated: 2024-10-22. Review status: criteria provided, single submitter. Criteria: Invitae Variant Classification Sherloc (09022015). Collection method: clinical testing. Allele origin: germline.
Comment: This sequence change replaces glutamic acid, which is acidic and polar, with lysine, which is basic and polar, at codon 1043 of the FAT2 protein (p.Glu1043Lys). This variant is present in population databases (rs776961547, gnomAD 0.003%). This variant has not been reported in the literature in individuals affected with FAT2-related conditions. ClinVar contains an entry for this variant (Variation ID: 2001995). Invitae Evidence Modeling of protein sequence and biophysical properties (such as structural, functional, and spatial information, amino acid conservation, physicochemical variation, residue mobility, and thermodynamic stability) indicates that this missense variant is not expected to disrupt FAT2 protein function with a negative predictive value of 80%. In summary, the available evidence is currently insufficient to determine the role of this variant in disease. Therefore, it has been classified as a Variant of Uncertain Significance.